The following is an entry in ClinVar:

NM_001242896.3(DEPDC5):c.4519+1G>A

Gene: DEPDC5 (DEP domain containing 5, GATOR1 subcomplex subunit; plus strand). Cytogenetic location: 22q12.3.
Variant type: single nucleotide variant.
Coding change: c.4519+1G>A on transcript NM_001242896.3 (MANE Select); the canonical splice donor site of the intron after coding-DNA position 4519, G replaced by A.
Molecular consequence: splice donor variant.
Genome position (GRCh38, 1-based): chr22:31,906,067, G>A. VCF-style: chr22-31906067-G-A. GRCh37 (hg19) VCF-style: chr22-32302053-G-A.
Other names: c.4519+1G>A (NM_001364318.2); c.4492+1G>A (NM_001136029.4); c.4426+1G>A (NM_014662.6, NM_001369903.1); c.4453+1G>A (NM_001363852.2, NM_001364320.2); c.4285+1G>A (NM_001363854.2, NM_001364319.2); c.4219+1G>A (NM_001242897.2); c.4435+1G>A (NM_001369902.1, NM_001369901.1).
Identifiers: ClinVar variation 546919 (VCV000546919.46), dbSNP rs1555942720, ClinGen allele CA411292089.
Genomic context (GRCh38, chr22:31,906,067, plus strand): 5'-ATTCTGCCTCTGCTTTTAACTTCCCTGCTGAGAACAAGCCTCAGTATATCCACGTTACAG[G>A]TGAGGAGCTACGGGCAGAGTTGGGCAGGTGGGTCCACATCCCTTTCCTTGCACCAAGCCT-3'

ClinVar aggregate classification (germline): Pathogenic. Review status: criteria provided, multiple submitters, no conflicts (2 of 4 stars). 2 submissions from 2 submitters: Pathogenic (2). Last evaluated 2025-11-15.

Conditions:
Familial focal epilepsy with variable foci (FPEVF). Identifiers: Orphanet 98820, MedGen C1858477, MONDO:0020310.

Submissions (2):

Labcorp Genetics (formerly Invitae), Labcorp
Classification: Pathogenic for Familial focal epilepsy with variable foci. Last evaluated: 2025-11-15. Review status: criteria provided, single submitter. Criteria: Invitae Variant Classification Sherloc (09022015). Collection method: clinical testing. Allele origin: germline.
Comment: This sequence change affects a donor splice site in intron 42 of the DEPDC5 gene. While this variant is not anticipated to result in nonsense mediated decay, it likely alters RNA splicing and results in a disrupted protein product. This variant is not present in population databases (gnomAD no frequency). This variant has not been reported in the literature in individuals affected with DEPDC5-related conditions. ClinVar contains an entry for this variant (Variation ID: 546919). Variants that disrupt the consensus splice site are a relatively common cause of aberrant splicing (PMID: 17576681, 9536098). Algorithms developed to predict the effect of sequence changes on RNA splicing suggest that this variant may disrupt the consensus splice site. This variant disrupts a region of the DEPDC5 protein in which other variant(s) (p.Asp1565*) have been determined to be pathogenic (PMID: 28549235, 31639411). This suggests that this is a clinically significant region of the protein, and that variants that disrupt it are likely to be disease-causing. For these reasons, this variant has been classified as Pathogenic.

CeGaT Center for Human Genetics Tuebingen
Classification: Pathogenic. Last evaluated: 2021-09-01. Review status: criteria provided, single submitter. Criteria: CeGaT Center For Human Genetics Tuebingen Variant Classification Criteria Version 2. Collection method: clinical testing. Allele origin: germline. Affected: yes. Observed: 2 variant alleles.

Literature cited by the submitters: PubMed 17576681 (cited by Labcorp Genetics (formerly Invitae), Labcorp); PubMed 9536098 (cited by Labcorp Genetics (formerly Invitae), Labcorp); PubMed 28549235 (cited by Labcorp Genetics (formerly Invitae), Labcorp); PubMed 31639411 (cited by Labcorp Genetics (formerly Invitae), Labcorp).